The following is an entry in ClinVar:

ClinVar aggregate classification (germline): Pathogenic. Review status: criteria provided, multiple submitters, no conflicts (2 of 4 stars). 3 submissions from 3 submitters: Pathogenic (2). 1 of the submissions does not count toward it. Last evaluated 2026-02-21.

Conditions:
Primary ciliary dyskinesia. Also called: Ciliary dyskinesia. Identifiers: Orphanet 244, MedGen C0008780, MONDO:0016575, HP:0012265.
CCDC39-related disorder. Also called: CCDC39-related condition.

Submissions (3):

PreventionGenetics, part of Exact Sciences
Classification: Pathogenic for CCDC39-related condition. Last evaluated: 2026-02-21. Review status: criteria provided, single submitter. Criteria: ACMG Guidelines, 2015. Collection method: clinical testing. Allele origin: germline.
Comment: The CCDC39 c.1484_1485delAA variant is predicted to result in a frameshift and premature protein termination (p.Lys495Ilefs*15). This variant has been reported in the homozygous state in an individual with primary ciliary dyskinesia (Table E1, Davis et al. 2018. PubMed ID: 30067075). This variant is reported in 0.0089% of alleles in individuals of Latino descent in gnomAD. Frameshift variants in CCDC39 are expected to be pathogenic. This variant is interpreted as pathogenic.

Labcorp Genetics (formerly Invitae), Labcorp
Classification: Pathogenic for Primary ciliary dyskinesia. Last evaluated: 2024-05-06. Review status: criteria provided, single submitter. Criteria: Invitae Variant Classification Sherloc (09022015). Collection method: clinical testing. Allele origin: germline.
Comment: This sequence change creates a premature translational stop signal (p.Lys495Ilefs*15) in the CCDC39 gene. It is expected to result in an absent or disrupted protein product. Loss-of-function variants in CCDC39 are known to be pathogenic (PMID: 21131972, 23255504). This variant is present in population databases (rs751239231, gnomAD 0.009%). This premature translational stop signal has been observed in individual(s) with primary ciliary dyskinesia (PMID: 30067075). ClinVar contains an entry for this variant (Variation ID: 1344602). For these reasons, this variant has been classified as Pathogenic.

Yale Center for Mendelian Genomics, Yale University
Classification: Likely pathogenic for Primary ciliary dyskinesia. Last evaluated: 2018-08-01. Review status: no assertion criteria provided. Collection method: literature only. Allele origin: germline. Affected: yes. Observed: 1 homozygote. Study: Yale Center for Mendelian Genomics. Not counted in ClinVar's aggregate classification.

Literature cited by the submitters: PubMed 21131972 (cited by Labcorp Genetics (formerly Invitae), Labcorp); PubMed 23255504 (cited by Labcorp Genetics (formerly Invitae), Labcorp); PubMed 30067075 (cited by Labcorp Genetics (formerly Invitae), Labcorp and Yale Center for Mendelian Genomics, Yale University).

NM_181426.2(CCDC39):c.1484_1485del (p.Lys495fs)

Gene: CCDC39 (coiled-coil domain 39 molecular ruler complex subunit; minus strand). Cytogenetic location: 3q26.33.
Variant type: Deletion.
Coding change: c.1484_1485del on transcript NM_181426.2 (MANE Select); coding-DNA positions 1484 to 1485, 2 bases deleted (AA; older notation c.1484_1485delAA).
Protein change: p.Lys495fs; shifts the reading frame from lysine 495.
Molecular consequence: frameshift variant.
Genome position (GRCh38, 1-based): chr3:180,647,121-180,647,122, TT deleted on the plus strand (AA on the coding strand, the reverse complement: CCDC39 is on the minus strand); deleting any 2 consecutive bases within chr3:180,647,121-180,647,126 gives the same sequence; the c. name uses the placement nearest the transcript's 3' end. VCF-style (leftmost placement, unchanged base first): chr3-180647120-ATT-A. GRCh37 (hg19) VCF-style: chr3-180364908-ATT-A.
Other names: c.1484_1485delAA (NM_181426.2); short protein forms K495fs.
Identifiers: ClinVar variation 1344602 (VCV001344602.16), dbSNP rs751239231, ClinGen allele CA2715934.